The following is an entry in ClinVar:

NM_032119.4(ADGRV1):c.6416A>G (p.Asn2139Ser)

Gene: ADGRV1 (adhesion G protein-coupled receptor V1; plus strand). Cytogenetic location: 5q14.3.
Variant type: single nucleotide variant.
Coding change: c.6416A>G on transcript NM_032119.4 (MANE Select); coding-DNA position 6416, A replaced by G.
Protein change: p.Asn2139Ser; replaces asparagine 2139 with serine.
Molecular consequence: missense variant. On other transcripts: non-coding transcript variant (1).
Genome position (GRCh38, 1-based): chr5:90,685,921, A>G. VCF-style: chr5-90685921-A-G. GRCh37 (hg19) VCF-style: chr5-89981738-A-G.
Other names: short protein forms N2139S.
Identifiers: ClinVar variation 2149522 (VCV002149522.3), dbSNP rs1745564013, ClinGen allele CA360363778.

ClinVar aggregate classification (germline): Uncertain significance (1 of 4 stars; one submission).

Allele frequency attached by ClinVar (database versions not stated): gnomAD exomes below 0.00001; TOPMed below 0.00001.
gnomAD v4.1: 2 of 1,611,214 alleles (0.00012%); highest among the groups gnomAD compares: East Asian, 0.0022%; no homozygotes.

Submission:

Labcorp Genetics (formerly Invitae), Labcorp
Classification: Uncertain significance. Last evaluated: 2022-09-19. Review status: criteria provided, single submitter. Criteria: Invitae Variant Classification Sherloc (09022015). Collection method: clinical testing. Allele origin: germline.
Comment: This sequence change replaces asparagine, which is neutral and polar, with serine, which is neutral and polar, at codon 2139 of the ADGRV1 protein (p.Asn2139Ser). This variant is not present in population databases (gnomAD no frequency). This variant has not been reported in the literature in individuals affected with ADGRV1-related conditions. Advanced modeling of protein sequence and biophysical properties (such as structural, functional, and spatial information, amino acid conservation, physicochemical variation, residue mobility, and thermodynamic stability) performed at Invitae indicates that this missense variant is not expected to disrupt ADGRV1 protein function. Algorithms developed to predict the effect of sequence changes on RNA splicing suggest that this variant may create or strengthen a splice site. In summary, the available evidence is currently insufficient to determine the role of this variant in disease. Therefore, it has been classified as a Variant of Uncertain Significance.